The following is an entry in ClinVar:

NM_017866.6(TMEM70):c.211-2A>G

Gene: TMEM70 (transmembrane protein 70; plus strand). Cytogenetic location: 8q21.11.
Variant type: single nucleotide variant.
Coding change: c.211-2A>G on transcript NM_017866.6 (MANE Select); the canonical splice acceptor site of the intron before coding-DNA position 211, A replaced by G.
Molecular consequence: splice acceptor variant.
Genome position (GRCh38, 1-based): chr8:73,978,754, A>G. VCF-style: chr8-73978754-A-G. GRCh37 (hg19) VCF-style: chr8-74890989-A-G.
Other names: c.211-2A>G (NM_001040613.3).
Identifiers: ClinVar variation 2189749 (VCV002189749.4), dbSNP rs2536392822, ClinGen allele CA371489477.
Genomic context (GRCh38, chr8:73,978,754, plus strand): 5'-AAAAAAAAAACTTAAAAAAATTTAAGAAGGTTAGTTGACCATAATGATCCCTGTTTCAAT[A>G]GATCCCTGTTTATTGGGAAGGATATGTTCGATTCTTAAATACGCCATCTGACAAATCAGA-3'

ClinVar aggregate classification (germline): Likely pathogenic (1 of 4 stars; one submission).

Conditions:
Mitochondrial complex V (ATP synthase) deficiency, nuclear type 2. Also called: Nuclear-Encoded ATPase Deficiency, TMEM70-Related; ENCEPHALOCARDIOMYOPATHY, MITOCHONDRIAL, NEONATAL, DUE TO ATP SYNTHASE DEFICIENCY; MITOCHONDRIAL COMPLEX V (ATP SYNTHASE) DEFICIENCY, TMEM70 TYPE. Identifiers: Orphanet 1194, MedGen C3279699, MONDO:0013546, OMIM 614052.

Submission:

Labcorp Genetics (formerly Invitae), Labcorp
Classification: Likely pathogenic for Mitochondrial complex V (ATP synthase) deficiency, nuclear type 2. Last evaluated: 2022-09-01. Review status: criteria provided, single submitter. Criteria: Invitae Variant Classification Sherloc (09022015). Collection method: clinical testing. Allele origin: germline.
Comment: In summary, the currently available evidence indicates that the variant is pathogenic, but additional data are needed to prove that conclusively. Therefore, this variant has been classified as Likely Pathogenic. Algorithms developed to predict the effect of sequence changes on RNA splicing suggest that this variant may disrupt the consensus splice site. This variant has not been reported in the literature in individuals affected with TMEM70-related conditions. This variant is not present in population databases (gnomAD no frequency). This sequence change affects an acceptor splice site in intron 1 of the TMEM70 gene. It is expected to disrupt RNA splicing. Variants that disrupt the donor or acceptor splice site typically lead to a loss of protein function (PMID: 16199547), and loss-of-function variants in TMEM70 are known to be pathogenic (PMID: 18953340, 21147908).

Literature cited by the submitters: PubMed 16199547; PubMed 18953340; PubMed 21147908.